The following is an entry in ClinVar:

NM_024809.5(TCTN2):c.1770-2A>G

Gene: TCTN2 (tectonic family member 2; plus strand). Cytogenetic location: 12q24.31.
Variant type: single nucleotide variant.
Coding change: c.1770-2A>G on transcript NM_024809.5 (MANE Select); the canonical splice acceptor site of the intron before coding-DNA position 1770, A replaced by G.
Molecular consequence: splice acceptor variant.
Genome position (GRCh38, 1-based): chr12:123,706,724, A>G. VCF-style: chr12-123706724-A-G. GRCh37 (hg19) VCF-style: chr12-124191271-A-G.
Other names: c.1635-2A>G (NM_001410989.1); c.1767-2A>G (NM_001143850.3).
Identifiers: ClinVar variation 632181 (VCV000632181.9), dbSNP rs1566265412, ClinGen allele CA387148400.
Genomic context (GRCh38, chr12:123,706,724, plus strand): 5'-CTGTTCTTGGTGGAATAGAACTGAATGGTGGCTATGCTGACCATGTGATCTTTCCCTCCT[A>G]GGTTCTCCTCAGTGAACTGGCAGTACCAGTGTGGGCTTACCTGTGAGCACAAGGCCGACC-3'

ClinVar aggregate classification (germline): Likely pathogenic (1 of 4 stars; one submission).

Conditions:
Meckel-Gruber syndrome. Also called: Dysencephalia splachnocystica; DYSENCEPHALIA SPLANCHNOCYSTICA; GRUBER SYNDROME. Identifiers: Orphanet 564, MedGen C0265215, MONDO:0018921.
Joubert syndrome. Also called: Familial aplasia of the vermis; CEREBELLOPARENCHYMAL DISORDER IV; JOUBERT-BOLTSHAUSER SYNDROME. Identifiers: Orphanet 475, MedGen C5979921, MONDO:0018772.

Allele frequency attached by ClinVar (database versions not stated): gnomAD exomes 0.00001.
gnomAD v4.1: 3 of 1,613,878 alleles (0.00019%); highest among the groups gnomAD compares: South Asian, 0.0011%; no homozygotes.

Submission:

Labcorp Genetics (formerly Invitae), Labcorp
Classification: Likely pathogenic for Joubert syndrome; Meckel-Gruber syndrome. Last evaluated: 2022-07-15. Review status: criteria provided, single submitter. Criteria: Invitae Variant Classification Sherloc (09022015). Collection method: clinical testing. Allele origin: germline.
Comment: This sequence change affects an acceptor splice site in intron 15 of the TCTN2 gene. It is expected to disrupt RNA splicing. Variants that disrupt the donor or acceptor splice site typically lead to a loss of protein function (PMID: 16199547), and loss-of-function variants in TCTN2 are known to be pathogenic (PMID: 21565611). This variant is not present in population databases (gnomAD no frequency). This variant has not been reported in the literature in individuals affected with TCTN2-related conditions. ClinVar contains an entry for this variant (Variation ID: 632181). Algorithms developed to predict the effect of sequence changes on RNA splicing suggest that this variant may disrupt the consensus splice site. In summary, the currently available evidence indicates that the variant is pathogenic, but additional data are needed to prove that conclusively. Therefore, this variant has been classified as Likely Pathogenic.

Literature cited by the submitters: PubMed 16199547; PubMed 21565611.